The following is an entry in ClinVar:

NM_004064.5(CDKN1B):c.326del (p.Val109fs)

Gene: CDKN1B (cyclin dependent kinase inhibitor 1B; plus strand). Cytogenetic location: 12p13.1.
Variant type: Deletion.
Coding change: c.326del on transcript NM_004064.5 (MANE Select); coding-DNA position 326, one base deleted (T; older notation c.326delT).
Protein change: p.Val109fs; shifts the reading frame from valine 109.
Molecular consequence: frameshift variant.
Genome position (GRCh38, 1-based): chr12:12,718,165, T deleted. VCF-style (leftmost placement, unchanged base first): chr12-12718164-GT-G. GRCh37 (hg19) VCF-style: chr12-12871098-GT-G.
Other names: short protein forms V109fs.
Identifiers: ClinVar variation 1729610 (VCV001729610.6), dbSNP rs2497405244, ClinGen allele CA2575083703.
Genomic context (GRCh38, chr12:12,718,164, plus strand): 5'-TACAGACCCCCGCGGCCCCCCAAAGGTGCCTGCAAGGTGCCGGCGCAGGAGAGCCAGGAT[GT>G]CAGCGGGAGCCGCCCGGCGGCGCCTTTAATTGGGGCTCCGGCTAACTCTGAGGACACGCA-3'

ClinVar aggregate classification (germline): Pathogenic. Review status: criteria provided, multiple submitters, no conflicts (2 of 4 stars). 2 submissions from 2 submitters: Pathogenic (2). Last evaluated 2023-06-05.

Conditions:
Multiple endocrine neoplasia type 4. Also called: MULTIPLE ENDOCRINE NEOPLASIA, TYPE IV. Identifiers: Orphanet 276152, MedGen C1970712, MONDO:0012552, OMIM 610755.
Hereditary cancer-predisposing syndrome. Also called: Neoplastic Syndromes, Hereditary; Tumor predisposition; Hereditary Cancer Syndrome; Hereditary neoplastic syndrome. Identifiers: Orphanet 140162, MedGen C0027672, MeSH D009386, MONDO:0015356.

Submissions (2):

Ambry Genetics
Classification: Pathogenic for Hereditary cancer-predisposing syndrome. Last evaluated: 2023-06-05. Review status: criteria provided, single submitter. Criteria: Ambry Variant Classification Scheme 2023. Collection method: clinical testing. Allele origin: germline.
Comment: The c.326delT pathogenic mutation, located in coding exon 1 of the CDKN1B gene, results from a deletion of one nucleotide at nucleotide position 326, causing a translational frameshift with a predicted alternate stop codon (p.V109Afs*10). This alteration is expected to result in loss of function by premature protein truncation or nonsense-mediated mRNA decay. As such, this alteration is interpreted as a disease-causing mutation.

Labcorp Genetics (formerly Invitae), Labcorp
Classification: Pathogenic for Multiple endocrine neoplasia type 4. Last evaluated: 2022-12-01. Review status: criteria provided, single submitter. Criteria: Invitae Variant Classification Sherloc (09022015). Collection method: clinical testing. Allele origin: germline.
Comment: For these reasons, this variant has been classified as Pathogenic. This variant has not been reported in the literature in individuals affected with CDKN1B-related conditions. This variant is not present in population databases (gnomAD no frequency). This sequence change creates a premature translational stop signal (p.Val109Alafs*10) in the CDKN1B gene. It is expected to result in an absent or disrupted protein product. Loss-of-function variants in CDKN1B are known to be pathogenic (PMID: 17030811, 24819502).

Literature cited by the submitters: PubMed 17030811 (cited by Labcorp Genetics (formerly Invitae), Labcorp); PubMed 24819502 (cited by Labcorp Genetics (formerly Invitae), Labcorp).